The following is an entry in ClinVar:

ClinVar aggregate classification (germline): Likely pathogenic (1 of 4 stars; one submission).

Conditions:
Nephrotic syndrome, type 4 (NPHS4). Also called: Familial mesangial sclerosis; Nephrotic syndrome, early onset with diffuse mesangial sclerosis. Identifiers: Orphanet 656, MedGen C3151568, MONDO:0009733, OMIM 256370.

Submission:

Precision Medicine Center, Zhengzhou University
Classification: Likely pathogenic for Nephrotic syndrome, type 4. Last evaluated: 2023-12-01. Review status: criteria provided, single submitter. Criteria: ACMG Guidelines, 2015. Collection method: clinical testing. Allele origin: de novo. Affected: yes.
Comment: PS2,PM2_p,PP3,PP4

NM_024426.6(WT1):c.1367T>G (p.Phe456Cys)

Gene: WT1 (WT1 transcription factor; minus strand). Cytogenetic location: 11p13.
Variant type: single nucleotide variant.
Coding change: c.1367T>G on transcript NM_024426.6 (MANE Select); coding-DNA position 1367, T replaced by G.
Protein change: p.Phe456Cys; replaces phenylalanine 456 with cysteine.
Molecular consequence: missense variant. On other transcripts: non-coding transcript variant (2), intron variant (2).
Genome position (GRCh38, 1-based): chr11:32,392,052, A>C on the plus strand (T>G on the coding strand, the complement: WT1 is on the minus strand). VCF-style: chr11-32392052-A-C. GRCh37 (hg19) VCF-style: chr11-32413598-A-C.
Other names: c.1316T>G, p.Phe439Cys (NM_000378.6, NM_001407045.1); c.716T>G, p.Phe239Cys (NM_001198551.2); c.665T>G, p.Phe222Cys (NM_001198552.2); c.179T>G, p.Phe60Cys (NM_001367854.1); c.1361T>G, p.Phe454Cys (NM_001407044.1); c.1244T>G, p.Phe415Cys (NM_001407047.1); c.1226T>G, p.Phe409Cys (NM_001407048.1); c.1193T>G, p.Phe398Cys (NM_001407050.1); and 5 more; short protein forms F202C, F222C, F239C, F398C, F409C, F415C, F434C, F439C.
Identifiers: ClinVar variation 2681779 (VCV002681779.2), dbSNP rs2494732361.